The following is an entry in ClinVar:

ClinVar aggregate classification (germline): Conflicting classifications of pathogenicity. Review status: criteria provided, conflicting classifications (1 of 4 stars). 5 submissions from 5 submitters: Uncertain significance (4); Likely benign (1). Last evaluated 2025-08-03.

Conditions:
Autosomal recessive nonsyndromic hearing loss 4 (DFNB4). Also called: Deafness, autosomal recessive 4, with enlarged vestibular aqueduct; Nonsyndromic enlarged vestibular aqueduct (NSEVA); Deafness, autosomal recessive 4; Enlarged vestibular aqueduct, digenic; FOXI1-Related Pendred Syndrome; KCNJ10-Related Pendred Syndrome. Identifiers: Orphanet 90636, MedGen C3538946, MONDO:0010933, OMIM 600791.

Allele frequency attached by ClinVar (database versions not stated): ExAC 0.00002; gnomAD exomes 0.00002 and 0.00004; gnomAD 0.00022 and 0.00024; TOPMed 0.00043; 1000 Genomes Project 30x 0.00047; 1000 Genomes Project 0.00060.

Submissions (5):

Ambry Genetics
Classification: Likely benign. Last evaluated: 2025-08-03. Review status: criteria provided, single submitter. Criteria: Ambry Variant Classification Scheme 2023. Collection method: clinical testing. Allele origin: germline.

Fulgent Genetics
Classification: Uncertain significance for Autosomal recessive nonsyndromic hearing loss 4. Last evaluated: 2023-12-28. Review status: criteria provided, single submitter. Criteria: ACMG Guidelines, 2015. Collection method: clinical testing. Allele origin: germline.

Blueprint Genetics
Classification: Uncertain significance. Last evaluated: 2023-08-11. Review status: criteria provided, single submitter. Criteria: ACMG Guidelines, 2015. Collection method: clinical testing. Allele origin: germline.

Labcorp Genetics (formerly Invitae), Labcorp
Classification: Uncertain significance. Last evaluated: 2022-05-30. Review status: criteria provided, single submitter. Criteria: Invitae Variant Classification Sherloc (09022015). Collection method: clinical testing. Allele origin: germline.
Comment: This sequence change replaces valine, which is neutral and non-polar, with isoleucine, which is neutral and non-polar, at codon 364 of the FOXI1 protein (p.Val364Ile). This variant is present in population databases (rs201090454, gnomAD 0.02%). In summary, the available evidence is currently insufficient to determine the role of this variant in disease. Therefore, it has been classified as a Variant of Uncertain Significance. Algorithms developed to predict the effect of missense changes on protein structure and function output the following: SIFT: "Tolerated"; PolyPhen-2: "Benign"; Align-GVGD: "Class C0". The isoleucine amino acid residue is found in multiple mammalian species, which suggests that this missense change does not adversely affect protein function. ClinVar contains an entry for this variant (Variation ID: 908001). This variant has not been reported in the literature in individuals affected with FOXI1-related conditions.

Illumina Laboratory Services, Illumina
Classification: Uncertain significance for Autosomal recessive nonsyndromic hearing loss 4. Last evaluated: 2018-01-13. Review status: criteria provided, single submitter. Criteria: ICSL Variant Classification Criteria 13 December 2019. Collection method: clinical testing. Allele origin: germline.

NM_012188.5(FOXI1):c.1090G>A (p.Val364Ile)

Gene: FOXI1 (forkhead box I1; plus strand). Cytogenetic location: 5q35.1.
Variant type: single nucleotide variant.
Coding change: c.1090G>A on transcript NM_012188.5 (MANE Select); coding-DNA position 1090, G replaced by A.
Protein change: p.Val364Ile; replaces valine 364 with isoleucine.
Molecular consequence: missense variant.
Genome position (GRCh38, 1-based): chr5:170,108,564, G>A. VCF-style: chr5-170108564-G-A. GRCh37 (hg19) VCF-style: chr5-169535568-G-A.
Other names: c.805G>A, p.Val269Ile (NM_144769.4); short protein forms V269I, V364I.
Identifiers: ClinVar variation 908001 (VCV000908001.10), dbSNP rs201090454, ClinGen allele CA3555167.